The following is an entry in ClinVar:

NM_004187.5(KDM5C):c.157C>T (p.Gln53Ter)

Gene: KDM5C (lysine demethylase 5C; minus strand). Cytogenetic location: Xp11.22.
Variant type: single nucleotide variant.
Coding change: c.157C>T on transcript NM_004187.5 (MANE Select); coding-DNA position 157, C replaced by T.
Protein change: p.Gln53Ter; replaces glutamine 53 with a stop codon.
Molecular consequence: nonsense. On other transcripts: non-coding transcript variant (3), intron variant (1).
Genome position (GRCh38, 1-based): chrX:53,220,910, G>A on the plus strand (C>T on the coding strand, the complement: KDM5C is on the minus strand). VCF-style: chrX-53220910-G-A. GRCh37 (hg19) VCF-style: chrX-53250092-G-A.
Other names: c.157C>T, p.Gln53Ter (NM_001282622.3, NM_001353978.3, NM_001353979.2 and 3 more transcripts); c.151-2944C>T (NM_001146702.2); short protein forms Q53*.
Identifiers: ClinVar variation 816980 (VCV000816980.1), dbSNP rs1602237187, ClinGen allele CA413132864.

ClinVar aggregate classification (germline): Pathogenic (1 of 4 stars; one submission).

Submission:

GeneDx
Classification: Pathogenic. Last evaluated: 2019-02-25. Review status: criteria provided, single submitter. Criteria: GeneDx Variant Classification (06012015). Collection method: clinical testing. Allele origin: germline. Affected: yes.
Comment: The Q53X nonsense variant in the KDM5C gene is predicted to cause loss of normal protein function either through protein truncation or nonsense-mediated mRNA decay. This variant is not observed in large population cohorts (Lek et al., 2016).